The following is an entry in ClinVar:

NC_000004.11:g.(?_103635575)_(103635738_?)dup

Gene: MANBA (mannosidase beta; minus strand). Cytogenetic location: 4q24.
Variant type: Duplication.
Identifiers: ClinVar variation 2425440 (VCV002425440.4).

ClinVar aggregate classification (germline): Likely pathogenic (1 of 4 stars; one submission).

Conditions:
Beta-D-mannosidosis (MANSB). Also called: MANNOSIDOSIS, BETA A, LYSOSOMAL; BETA-MANNOSIDASE DEFICIENCY; LYSOSOMAL BETA-MANNOSIDASE DEFICIENCY; Beta-Mannosidosis. Identifiers: Orphanet 118, MedGen C4048196, MONDO:0009562, OMIM 248510.

Submission:

Labcorp Genetics (formerly Invitae), Labcorp
Classification: Likely pathogenic for Beta-D-mannosidosis. Last evaluated: 2024-01-09. Review status: criteria provided, single submitter. Criteria: Invitae Variant Classification Sherloc (09022015). Collection method: clinical testing. Allele origin: germline.
Comment: This variant results in a copy number gain of the genomic region encompassing exon(s) 5 of the MANBA gene. While the exact position of this variant cannot be determined from the data, sub-genic copy number gains are generally in tandem (PMID: 25640679). This variant is predicted to be out-of-frame, and may result in an absent or disrupted protein product. Loss-of-function variants in MANBA are known to be pathogenic (PMID: 9384606, 12468273). This variant has not been reported in the literature in individuals affected with MANBA-related conditions. In summary, the currently available evidence indicates that the variant is pathogenic, but additional data are needed to prove that conclusively. Therefore, this variant has been classified as Likely Pathogenic.

Literature cited by the submitters: PubMed 25640679; PubMed 9384606; PubMed 12468273.